The following is an entry in ClinVar:

NM_020207.7(ERCC6L2):c.571C>T (p.Pro191Ser)

Gene: ERCC6L2 (ERCC excision repair 6 like 2; plus strand). Cytogenetic location: 9q22.32.
Variant type: single nucleotide variant.
Coding change: c.571C>T on transcript NM_020207.7 (MANE Select); coding-DNA position 571, C replaced by T.
Protein change: p.Pro191Ser; replaces proline 191 with serine.
Molecular consequence: missense variant. On other transcripts: non-coding transcript variant (1).
Genome position (GRCh38, 1-based): chr9:95,897,948, C>T. VCF-style: chr9-95897948-C-T. GRCh37 (hg19) VCF-style: chr9-98660230-C-T.
Other names: c.571C>T, p.Pro191Ser (NM_001010895.4, NM_001375291.1, NM_001375292.1 and 2 more transcripts); short protein forms P191S.
Identifiers: ClinVar variation 3509977 (VCV003509977.1).

ClinVar aggregate classification (germline): Uncertain significance (1 of 4 stars; one submission).

Conditions:
Inborn genetic diseases. Identifiers: MedGen C0950123, MeSH D030342.

gnomAD v4.1: 1 of 1,610,816 alleles (0.000062%); highest among the groups gnomAD compares: Non-Finnish European, 0.000085%; no homozygotes.

Submission:

Ambry Genetics
Classification: Uncertain significance for Inborn genetic diseases. Last evaluated: 2024-11-24. Review status: criteria provided, single submitter. Criteria: Ambry Variant Classification Scheme 2023. Collection method: clinical testing. Allele origin: germline.
Comment: The p.P191S variant (also known as c.571C>T), located in coding exon 3 of the ERCC6L2 gene, results from a C to T substitution at nucleotide position 571. The proline at codon 191 is replaced by serine, an amino acid with similar properties. This amino acid position is conserved. In addition, this alteration is predicted to be tolerated by in silico analysis. Based on the available evidence, the clinical significance of this variant remains unclear.